The following is an entry in ClinVar:

ClinVar aggregate classification (germline): Pathogenic (1 of 4 stars; one submission).

Conditions:
Nephronophthisis. Also called: Juvenile Nephronophthisis. Identifiers: Orphanet 655, MedGen C0687120, MONDO:0019005, HP:0000090.

Allele frequency attached by ClinVar (database versions not stated): gnomAD exomes below 0.00001.

Submission:

Labcorp Genetics (formerly Invitae), Labcorp
Classification: Pathogenic for Nephronophthisis. Last evaluated: 2025-03-31. Review status: criteria provided, single submitter. Criteria: Invitae Variant Classification Sherloc (09022015). Collection method: clinical testing. Allele origin: germline.
Comment: This sequence change creates a premature translational stop signal (p.Val92Cysfs*15) in the IQCB1 gene. It is expected to result in an absent or disrupted protein product. Loss-of-function variants in IQCB1 are known to be pathogenic (PMID: 15723066, 21901789, 23559409, 28041643). This variant is present in population databases (no rsID available, gnomAD 0.0009%). This premature translational stop signal has been observed in individual(s) with nephronophthisis-related ciliopathy (PMID: 23559409). ClinVar contains an entry for this variant (Variation ID: 1323120). For these reasons, this variant has been classified as Pathogenic.

Literature cited by the submitters: PubMed 15723066; PubMed 21901789; PubMed 23559409; PubMed 28041643.

NM_001023570.4(IQCB1):c.273dup (p.Val92fs)

Gene: IQCB1 (IQ motif containing B1; minus strand). Cytogenetic location: 3q13.33.
Variant type: Duplication.
Coding change: c.273dup on transcript NM_001023570.4 (MANE Select); coding-DNA position 273, one base duplicated (T; older notation c.273dupT).
Protein change: p.Val92fs; shifts the reading frame from valine 92.
Molecular consequence: frameshift variant. On other transcripts: non-coding transcript variant (1).
Genome position (GRCh38, 1-based): chr3:121,826,171, A duplicated on the plus strand (T on the coding strand, the reverse complement: IQCB1 is on the minus strand). VCF-style (leftmost placement, unchanged base first): chr3-121826170-C-CA. GRCh37 (hg19) VCF-style: chr3-121545017-C-CA.
Other names: c.273dup, p.Val92fs (NM_001023571.4, NM_001319107.2); short protein forms V92fs.
Identifiers: ClinVar variation 1323120 (VCV001323120.7), dbSNP rs1201853761, ClinGen allele CA545630983.
Genomic context (GRCh38, chr3:121,826,170, plus strand): 5'-CAGCTGATGGAAGTAATTCATTGTAAAATTCCTCTGCATCTTCTCCTGGCTCCAAGCCCA[C>CA]ACAGCAATGGCTGAAATAAGAGCACAAGTTCGTGTTAATTAGAAGTTTATGTTGAATGCT-3'